The following is an entry in ClinVar:

ClinVar aggregate classification (germline): Uncertain significance (1 of 4 stars; one submission).

Conditions:
Early-infantile DEE. Also called: Ohtahara syndrome; Early infantile epileptic encephalopathy; Early infantile epileptic encephalopathy with suppression bursts. Identifiers: Orphanet 1934, MedGen C0393706, MONDO:0800491.

Submission:

Labcorp Genetics (formerly Invitae), Labcorp
Classification: Uncertain significance for Early-infantile DEE. Last evaluated: 2024-05-22. Review status: criteria provided, single submitter. Criteria: Invitae Variant Classification Sherloc (09022015). Collection method: clinical testing. Allele origin: germline.
Comment: This sequence change replaces serine, which is neutral and polar, with asparagine, which is neutral and polar, at codon 2422 of the SPTAN1 protein (p.Ser2422Asn). This variant is not present in population databases (gnomAD no frequency). This variant has not been reported in the literature in individuals affected with SPTAN1-related conditions. ClinVar contains an entry for this variant (Variation ID: 2000235). Advanced modeling of protein sequence and biophysical properties (such as structural, functional, and spatial information, amino acid conservation, physicochemical variation, residue mobility, and thermodynamic stability) has been performed at Invitae for this missense variant, however the output from this modeling did not meet the statistical confidence thresholds required to predict the impact of this variant on SPTAN1 protein function. In summary, the available evidence is currently insufficient to determine the role of this variant in disease. Therefore, it has been classified as a Variant of Uncertain Significance.

NM_001130438.3(SPTAN1):c.7265G>A (p.Ser2422Asn)

Gene: SPTAN1 (spectrin alpha, non-erythrocytic 1; plus strand). Cytogenetic location: 9q34.11.
Variant type: single nucleotide variant.
Coding change: c.7265G>A on transcript NM_001130438.3 (MANE Select); coding-DNA position 7265, G replaced by A.
Protein change: p.Ser2422Asn; replaces serine 2422 with asparagine.
Molecular consequence: missense variant.
Genome position (GRCh38, 1-based): chr9:128,632,912, G>A. VCF-style: chr9-128632912-G-A. GRCh37 (hg19) VCF-style: chr9-131395191-G-A.
Other names: c.7190G>A, p.Ser2397Asn (NM_001195532.2); c.7328G>A, p.Ser2443Asn (NM_001363759.2); c.7205G>A, p.Ser2402Asn (NM_001363765.2, NM_001375314.2); c.7352G>A, p.Ser2451Asn (NM_001375310.1); c.7265G>A, p.Ser2422Asn (NM_001375311.2); c.7301G>A, p.Ser2434Asn (NM_001375312.2); c.7247G>A, p.Ser2416Asn (NM_001375313.1); c.7364G>A, p.Ser2455Asn (NM_001375318.1); and 1 more; short protein forms S2402N, S2416N, S2422N, S2397N, S2434N, S2451N, S2455N, S2417N.
Identifiers: ClinVar variation 2000235 (VCV002000235.4), dbSNP rs2542398100, ClinGen allele CA375102637.
Genomic context (GRCh38, chr9:128,632,912, plus strand): 5'-GCCGCGAAACTGAGAACGTCAAGTCCAGCGAGGAGATTGAGAGCGCCTTCCGGGCCCTCA[G>A]CTCAGAGGGAAAGCCTTACGTGACCAAGGAGGAGCTCTACCAGGTATGGGCCTCAGGAGG-3'
Protein context (NP_001123910.1, residues 2412-2432): EEIESAFRAL[Ser2422Asn]SEGKPYVTKE